The following is an entry in ClinVar:

ClinVar aggregate classification (germline): Conflicting classifications of pathogenicity. Review status: criteria provided, conflicting classifications (1 of 4 stars). 2 submissions from 2 submitters: Likely pathogenic (1); Uncertain significance (1). Last evaluated 2026-04-13.

Conditions:
Bartter disease type 1. Also called: Bartter Syndrome type 1; Bartter syndrome, type 1, antenatal; HYPERPROSTAGLANDIN E SYNDROME 1; HYPOKALEMIC ALKALOSIS WITH HYPERCALCIURIA 1, ANTENATAL. Identifiers: Orphanet 112, Orphanet 620217, MedGen C1866495, MONDO:0100344, OMIM 601678, MONDO:0011127.

Allele frequency attached by ClinVar (database versions not stated): gnomAD exomes below 0.00001.
gnomAD v4.1: 2 of 1,614,056 alleles (0.00012%); highest among the groups gnomAD compares: Non-Finnish European, 0.00017%; no homozygotes.

Submissions (2):

Women's Health and Genetics/Laboratory Corporation of America, LabCorp
Classification: Uncertain significance. Last evaluated: 2026-04-13. Review status: criteria provided, single submitter. Criteria: LabCorp Variant Classification Summary - May 2015. Collection method: clinical testing. Allele origin: germline.
Comment: Variant summary: SLC12A1 c.572T>A (p.Ile191Asn) results in a non-conservative amino acid change in the encoded protein sequence. Algorithms developed to predict the effect of missense changes on protein structure and function all suggest that this variant is likely to be disruptive. The variant was absent in 251148 control chromosomes. c.572T>A has been observed in at least three compound heterozygous individuals affected with Bartter Syndrome, Type 1 (example: Bettinelli_2014, Corbetta_2015, Ashton_2018). These data indicate that the variant may be associated with disease. To our knowledge, no experimental evidence demonstrating an impact on protein function has been reported. The following publications have been ascertained in the context of this evaluation (PMID: 29398133, 24902942, 25422309). ClinVar contains an entry for this variant (Variation ID: 1708128). Based on the evidence outlined above, the variant was classified as VUS-possibly pathogenic.

Laboratory of Medical Genetics, National & Kapodistrian University of Athens
Classification: Likely pathogenic for Bartter disease type 1. Last evaluated: 2021-12-12. Review status: criteria provided, single submitter. Criteria: ACMG Guidelines, 2015. Collection method: clinical testing. Allele origin: germline. Affected: yes.
Comment: PM2, PM3, PP2, PP3, PP5

Literature cited by the submitters: PubMed 29398133 (cited by Women's Health and Genetics/Laboratory Corporation of America, LabCorp); PubMed 25422309 (cited by Women's Health and Genetics/Laboratory Corporation of America, LabCorp); PubMed 24902942 (cited by Women's Health and Genetics/Laboratory Corporation of America, LabCorp).

NM_000338.3(SLC12A1):c.572T>A (p.Ile191Asn)

Gene: SLC12A1 (solute carrier family 12 member 1; plus strand). Cytogenetic location: 15q21.1.
Variant type: single nucleotide variant.
Coding change: c.572T>A on transcript NM_000338.3 (MANE Select); coding-DNA position 572, T replaced by A.
Protein change: p.Ile191Asn; replaces isoleucine 191 with asparagine.
Molecular consequence: missense variant.
Genome position (GRCh38, 1-based): chr15:48,220,940, T>A. VCF-style: chr15-48220940-T-A. GRCh37 (hg19) VCF-style: chr15-48513137-T-A.
Other names: c.572T>A, p.Ile191Asn (NM_001184832.2, NM_001384136.1); short protein forms I191N.
Identifiers: ClinVar variation 1708128 (VCV001708128.4), dbSNP rs2505026929, ClinGen allele CA392304846.
Genomic context (GRCh38, chr15:48,220,940, plus strand): 5'-TCGTTTGTCCTGTCTCCTTTCAATACCGCTTCTATCCACAGGTAAGATGCATGCTGAACA[T>A]CTGGGGAGTCATGCTCTTCATTCGCCTCTCCTGGATTGTTGGAGAAGCTGGAATTGGTAA-3'
Protein context (NP_000329.2, residues 181-201): KGVLVRCMLN[Ile191Asn]WGVMLFIRLS